The following is an entry in ClinVar:

ClinVar aggregate classification (germline): Pathogenic (1 of 4 stars; one submission).

Conditions:
Hereditary cancer-predisposing syndrome. Also called: Neoplastic Syndromes, Hereditary; Tumor predisposition; Hereditary neoplastic syndrome; Hereditary Cancer Syndrome. Identifiers: Orphanet 140162, MedGen C0027672, MeSH D009386, MONDO:0015356.

Submission:

Ambry Genetics
Classification: Pathogenic for Hereditary cancer-predisposing syndrome. Last evaluated: 2023-02-23. Review status: criteria provided, single submitter. Criteria: Ambry Variant Classification Scheme 2023. Collection method: clinical testing. Allele origin: germline.
Comment: The c.56_75dup20 pathogenic mutation, located in coding exon 1 of the RB1 gene, results from a duplication of 20 nucleotides at nucleotide positions 56 to 75, causing a translational frameshift with a predicted alternate stop codon (p.P26Nfs*46). This variant is considered to be rare based on population cohorts in the Genome Aggregation Database (gnomAD). This alteration is expected to result in loss of function by premature protein truncation or nonsense-mediated mRNA decay. As such, this alteration is interpreted as a disease-causing mutation.

NM_000321.3(RB1):c.56_75dup (p.Pro26fs)

Gene: RB1 (RB transcriptional corepressor 1; plus strand). Cytogenetic location: 13q14.2.
Variant type: Duplication.
Coding change: c.56_75dup on transcript NM_000321.3 (MANE Select); coding-DNA positions 56 to 75, 20 bases duplicated (AACCCCCGGCACCGCCGCCG).
Protein change: p.Pro26fs; shifts the reading frame from proline 26.
Molecular consequence: frameshift variant.
Genome position (GRCh38, 1-based): chr13:48,303,968-48,303,987, AACCCCCGGCACCGCCGCCG duplicated; duplicating any 20 consecutive bases within chr13:48,303,967-48,303,987 gives the same sequence; the c. name uses the placement nearest the transcript's 3' end. VCF-style (leftmost placement, unchanged base first): chr13-48303966-G-GGAACCCCCGGCACCGCCGCC. GRCh37 (hg19) VCF-style: chr13-48878102-G-GGAACCCCCGGCACCGCCGCC.
Other names: c.56_75dup, p.Pro26fs (NM_001407165.1, NM_001407166.1, NM_001407167.1); c.56_75dupAACCCCCGGCACCGCCGCCG (NM_000321.2); short protein forms P26fs.
Identifiers: ClinVar variation 2450515 (VCV002450515.2), dbSNP rs2542093681, ClinGen allele CA2580087723.